The following is an entry in ClinVar:

NM_022051.3(EGLN1):c.382C>G (p.Arg128Gly)

Gene: EGLN1 (egl-9 family hypoxia inducible factor 1; minus strand). Cytogenetic location: 1q42.2.
Variant type: single nucleotide variant.
Coding change: c.382C>G on transcript NM_022051.3 (MANE Select); coding-DNA position 382, C replaced by G.
Protein change: p.Arg128Gly; replaces arginine 128 with glycine.
Molecular consequence: missense variant.
Genome position (GRCh38, 1-based): chr1:231,421,507, G>C on the plus strand (C>G on the coding strand, the complement: EGLN1 is on the minus strand). VCF-style: chr1-231421507-G-C. GRCh37 (hg19) VCF-style: chr1-231557253-G-C.
Other names: c.382C>G, p.Arg128Gly (NM_001377260.1, NM_001377261.1); short protein forms R128G.
Identifiers: ClinVar variation 2457171 (VCV002457171.6), dbSNP rs756094298, ClinGen allele CA38948838.
Genomic context (GRCh38, chr1:231,421,507, plus strand): 5'-CCTCCTTGCCGGGCTCGGCTTCGGCAGCCACCGCCGAGCCCTGGCCGCCGGCGGCCGCAC[G>C]ACACGGCGACGCGGCCGCCGCTGGGTCGGCCGGGGGCTTGGCCTTTACTTTTCCCTTGGC-3'
Protein context (NP_071334.1, residues 118-138): ADPAAAASPC[Arg128Gly]AAAGGQGSAV

ClinVar aggregate classification (germline): Conflicting classifications of pathogenicity. Review status: criteria provided, conflicting classifications (1 of 4 stars). 2 submissions from 2 submitters: Uncertain significance (1); Likely benign (1). Last evaluated 2025-11-24.

Conditions:
Erythrocytosis, familial, 3 (ECYT3). Identifiers: Orphanet 247511, MedGen C1853286, MONDO:0012353, OMIM 609820.

gnomAD v4.1: 43 of 1,318,580 alleles (0.0033%); highest among the groups gnomAD compares: Middle Eastern, 0.024%; no homozygotes.

Submissions (2):

Labcorp Genetics (formerly Invitae), Labcorp
Classification: Uncertain significance for Erythrocytosis, familial, 3. Last evaluated: 2025-11-24. Review status: criteria provided, single submitter. Criteria: Invitae Variant Classification Sherloc (09022015). Collection method: clinical testing. Allele origin: germline.
Comment: This sequence change replaces arginine, which is basic and polar, with glycine, which is neutral and non-polar, at codon 128 of the EGLN1 protein (p.Arg128Gly). This variant is present in population databases (rs756094298, gnomAD 0.008%). This missense change has been observed in individual(s) with clinical features of familial erythrocytosis (PMID: 37317877). ClinVar contains an entry for this variant (Variation ID: 2457171). An algorithm developed to predict the effect of missense changes on protein structure and function (PolyPhen-2) suggests that this variant is likely to be tolerated. In summary, the available evidence is currently insufficient to determine the role of this variant in disease. Therefore, it has been classified as a Variant of Uncertain Significance.

Ambry Genetics
Classification: Likely benign. Last evaluated: 2024-12-06. Review status: criteria provided, single submitter. Criteria: Ambry Variant Classification Scheme 2023. Collection method: clinical testing. Allele origin: germline.

Literature cited by the submitters: PubMed 37317877 (cited by Labcorp Genetics (formerly Invitae), Labcorp).